The following is an entry in ClinVar:

ClinVar aggregate classification (germline): Pathogenic/Likely pathogenic. Review status: criteria provided, multiple submitters, no conflicts (2 of 4 stars). 5 submissions from 5 submitters: Pathogenic (4); Likely pathogenic (1). Last evaluated 2026-09-03.

Conditions:
Osteogenesis imperfecta type I (OI1). Also called: OI, TYPE I; OSTEOGENESIS IMPERFECTA TARDA; OSTEOGENESIS IMPERFECTA WITH BLUE SCLERAE; Osteogenesis imperfecta type 1; Lobstein's Disease; Lobstein disease. Identifiers: Orphanet 216796, Orphanet 666, MedGen C0023931, MONDO:0008146, OMIM 166200. Disease mechanism: loss of function.

Submissions (5):

Clinical Genetics Laboratory, Skane University Hospital Lund
Classification: Pathogenic for Osteogenesis imperfecta type I. Last evaluated: 2026-09-03. Review status: criteria provided, single submitter. Criteria: ACMG Guidelines, 2015. Collection method: clinical testing. Allele origin: germline. Affected: yes.
Comment: PVS1, PS4_Moderate and PM2

Dasa
Classification: Pathogenic. Last evaluated: 2026-03-26. Review status: criteria provided, single submitter. Criteria: DASA Assertion Criteria. Collection method: clinical testing. Allele origin: germline.
Comment: NM_000088.4(COL1A1):c.2037_2038del (p.Gly680Phefs*29) is a frameshift variant in COL1A1 predicted to alter the reading frame and introduce a premature termination codon and is predicted to result in an absent or altered protein product. Loss of function is an established disease mechanism for COL1A1 (PMID: 9067755; PMID: 9016532). This variant has been recurrently observed in individuals with COL1A1-related disorders (PMID: 37270749; PMID: 22753364; PMID: 30886339). Also, this variant is absent from population databases. Based on the currently available evidence, this variant is classified as pathogenic.

Clinical Biomedical Laboratory, Shriners Hospital For Children - Canada
Classification: Pathogenic for Osteogenesis imperfecta type I. Last evaluated: 2025-05-23. Review status: criteria provided, single submitter. Criteria: ACMG Guidelines, 2015. Collection method: clinical testing. Allele origin: germline. Affected: yes.
Comment: This variant introduces a frameshift in COL1A1 and is expected to lead to premature termination codon, which results in degradation of the affected mRNA and halpoinsufficiency of the corresponding collagen type I alpha 1 chain. Heterozygous frameshift variants in COL1A1 are a typical cause of osteogenesis imperfecta type I.

Labcorp Genetics (formerly Invitae), Labcorp
Classification: Pathogenic for Osteogenesis imperfecta type I. Last evaluated: 2025-05-22. Review status: criteria provided, single submitter. Criteria: Invitae Variant Classification Sherloc (09022015). Collection method: clinical testing. Allele origin: germline.
Comment: This sequence change creates a premature translational stop signal (p.Gly680Phefs*29) in the COL1A1 gene. It is expected to result in an absent or disrupted protein product. Loss-of-function variants in COL1A1 are known to be pathogenic (PMID: 7942841, 9295084, 9443882). This variant is not present in population databases (gnomAD no frequency). This premature translational stop signal has been observed in individual(s) with osteogenesis imperfecta (PMID: 22753364, 37270749). For these reasons, this variant has been classified as Pathogenic.

Department of Human Genetics, Hannover Medical School
Classification: Likely pathogenic for Osteogenesis imperfecta type I. Last evaluated: 2025-01-13. Review status: criteria provided, single submitter. Criteria: ACMG Guidelines, 2015. Collection method: clinical testing. Allele origin: germline. Inheritance: Autosomal dominant inheritance. Affected: yes.
Comment: ACMG: PVS1, PM2_Supporting

Literature cited by the submitters: PubMed 37270749 (cited by Dasa and Labcorp Genetics (formerly Invitae), Labcorp); PubMed 22753364 (cited by Dasa and Labcorp Genetics (formerly Invitae), Labcorp); PubMed 30886339 (cited by Dasa); PubMed 9067755 (cited by Dasa); PubMed 9016532 (cited by Dasa); PubMed 30715774 (cited by Clinical Biomedical Laboratory, Shriners Hospital For Children - Canada); PubMed 7942841 (cited by Labcorp Genetics (formerly Invitae), Labcorp); PubMed 9295084 (cited by Labcorp Genetics (formerly Invitae), Labcorp); PubMed 9443882 (cited by Labcorp Genetics (formerly Invitae), Labcorp).

NM_000088.4(COL1A1):c.2037_2038del (p.Gly680fs)

Gene: COL1A1 (collagen type I alpha 1 chain; minus strand). Cytogenetic location: 17q21.33.
Variant type: Microsatellite.
Coding change: c.2037_2038del on transcript NM_000088.4 (MANE Select); coding-DNA positions 2037 to 2038, 2 bases deleted (AG; older notation c.2037_2038delAG).
Protein change: p.Gly680fs; shifts the reading frame from glycine 680.
Molecular consequence: frameshift variant.
Genome position (GRCh38, 1-based): chr17:50,191,877-50,191,878, CT deleted on the plus strand (AG on the coding strand, the reverse complement: COL1A1 is on the minus strand); deleting any 2 consecutive bases within chr17:50,191,877-50,191,883 gives the same sequence; the c. name uses the placement nearest the transcript's 3' end. VCF-style (leftmost placement, unchanged base first): chr17-50191876-CCT-C. GRCh37 (hg19) VCF-style: chr17-48269237-CCT-C.
Other names: short protein forms G680fs.
Identifiers: ClinVar variation 3544404 (VCV003544404.6).
Genomic context (GRCh38, chr17:50,191,876, plus strand): 5'-TTGGCCCCTCGGGGACCAGCAGGACCAGGGGGACCTTGCACACCACGCTCGCCAGGGAAA[CCT>C]CTCTCGCCCTAGAAGGGAAGGACAGGGCATGTGAAGGCTGCTCTGGAGATAGGGCCAAGT-3'